The following is an entry in ClinVar:

NM_181523.3(PIK3R1):c.965del (p.Met322fs)

Gene: PIK3R1 (phosphoinositide-3-kinase regulatory subunit 1; plus strand). Cytogenetic location: 5q13.1.
Variant type: Deletion.
Coding change: c.965del on transcript NM_181523.3 (MANE Select); coding-DNA position 965, one base deleted (T; older notation c.965delT).
Protein change: p.Met322fs; shifts the reading frame from methionine 322.
Molecular consequence: frameshift variant.
Genome position (GRCh38, 1-based): chr5:68,292,307, T deleted. VCF-style (leftmost placement, unchanged base first): chr5-68292306-AT-A. GRCh37 (hg19) VCF-style: chr5-67588134-AT-A.
Other names: c.155del, p.Met52fs (NM_181504.4); c.65del, p.Met22fs (NM_181524.2); short protein forms M322fs, M22fs, M52fs.
Identifiers: ClinVar variation 648899 (VCV000648899.7), dbSNP rs1580260232, ClinGen allele CA915943353.

ClinVar aggregate classification (germline): Pathogenic (1 of 4 stars; one submission).

Conditions:
Agammaglobulinemia 7, autosomal recessive (AGM7). Also called: AGAMMAGLOBULINEMIA, AUTOSOMAL RECESSIVE, DUE TO PIK3R1 DEFECT. Identifiers: MedGen C3554689, MONDO:0014083, OMIM 615214.
Immunodeficiency 36 with lymphoproliferation. Also called: Immunodeficiency 36; Activated PI3K Delta Syndrome Type 2 (APDS2); ACTIVATED PI3K-DELTA SYNDROME 2. Identifiers: Orphanet 397596, Orphanet 693681, MedGen C4014934, MONDO:0014453, OMIM 616005.
SHORT syndrome. Also called: LIPODYSTROPHY, PARTIAL, WITH RIEGER ANOMALY AND SHORT STATURE; SHORT STATURE, HYPEREXTENSIBILITY, HERNIA, OCULAR DEPRESSION, RIEGER ANOMALY, AND TEETHING DELAY; PIK3R1-Related SHORT Syndrome. Identifiers: Orphanet 3163, MedGen C0878684, MONDO:0010026, OMIM 269880.

Submission:

Labcorp Genetics (formerly Invitae), Labcorp
Classification: Pathogenic for SHORT syndrome; Immunodeficiency 36 with lymphoproliferation; Agammaglobulinemia 7, autosomal recessive. Last evaluated: 2020-01-24. Review status: criteria provided, single submitter. Criteria: Invitae Variant Classification Sherloc (09022015). Collection method: clinical testing. Allele origin: germline.
Comment: For these reasons, this variant has been classified as Pathogenic. Loss-of-function variants in PIK3R1 are known to be pathogenic (PMID: 22351933, 25133428). This variant has not been reported in the literature in individuals with PIK3R1-related conditions. ClinVar contains an entry for this variant (Variation ID: 648899). This variant is not present in population databases (ExAC no frequency). This sequence change creates a premature translational stop signal (p.Met322Argfs*22) in the PIK3R1 gene. It is expected to result in an absent or disrupted protein product.

Literature cited by the submitters: PubMed 22351933; PubMed 25133428.